The following is an entry in ClinVar:

NM_198904.4(GABRG2):c.1108G>T (p.Asp370Tyr)

Gene: GABRG2 (gamma-aminobutyric acid type A receptor subunit gamma2; plus strand). Cytogenetic location: 5q34.
Variant type: single nucleotide variant.
Coding change: c.1108G>T on transcript NM_198904.4 (MANE Select); coding-DNA position 1108, G replaced by T.
Protein change: p.Asp370Tyr; replaces aspartic acid 370 with tyrosine.
Molecular consequence: missense variant. On other transcripts: intron variant (1).
Genome position (GRCh38, 1-based): chr5:162,149,293, G>T. VCF-style: chr5-162149293-G-T. GRCh37 (hg19) VCF-style: chr5-161576299-G-T.
Other names: c.1108G>T, p.Asp370Tyr (NM_000816.3); c.1099G>T, p.Asp367Tyr (NM_001375339.1); c.1105G>T, p.Asp369Tyr (NM_001375341.1, NM_001375342.1); c.1228G>T, p.Asp410Tyr (NM_001375343.1, NM_198903.2); c.1147G>T, p.Asp383Tyr (NM_001375344.1); c.1042G>T, p.Asp348Tyr (NM_001375345.1, NM_001375346.1); c.1021G>T, p.Asp341Tyr (NM_001375347.1); c.688G>T, p.Asp230Tyr (NM_001375348.1, NM_001375350.1); and 2 more; short protein forms D230Y, D275Y, D341Y, D348Y, D367Y, D369Y, D370Y, D383Y.
Identifiers: ClinVar variation 1021840 (VCV001021840.15), dbSNP rs1415854808, ClinGen allele CA362182700.
Genomic context (GRCh38, chr5:162,149,293, plus strand): 5'-CTGGTGGAGTATGGCACCTTGCATTATTTTGTCAGCAACCGGAAACCAAGCAAGGACAAA[G>T]ATAAAAAGAAGAAAAACCCTGTATGTATCATTTTCCATTGGCACCATTGAAATTTTTATG-3'
Protein context (NP_944494.1, residues 360-380): VSNRKPSKDK[Asp370Tyr]KKKKNPLLRM

ClinVar aggregate classification (germline): Uncertain significance. Review status: criteria provided, multiple submitters, no conflicts (2 of 4 stars). 5 submissions from 5 submitters: Uncertain significance (5). Last evaluated 2024-05-13.

Conditions:
EPILEPSY, CHILDHOOD ABSENCE, SUSCEPTIBILITY TO, 2 (ECA2). Identifiers: Orphanet 64280, MedGen C1843244, OMIM 607681.
Febrile seizures, familial, 8 (FEB8). Also called: CONVULSIONS, FAMILIAL FEBRILE, 8. Identifiers: Orphanet 36387, MedGen C1969810, MONDO:0011891, OMIM 607681.
Inborn genetic diseases. Identifiers: MedGen C0950123, MeSH D030342.

Allele frequency attached by ClinVar (database versions not stated): gnomAD 0.00001; TOPMed 0.00001; gnomAD exomes 0.00002.
gnomAD v4.1: 31 of 1,613,998 alleles (0.0019%); highest among the groups gnomAD compares: Non-Finnish European, 0.0025%; no homozygotes.

Submissions (5):

Labcorp Genetics (formerly Invitae), Labcorp
Classification: Uncertain significance for Febrile seizures, familial, 8; EPILEPSY, CHILDHOOD ABSENCE, SUSCEPTIBILITY TO, 2. Last evaluated: 2024-05-13. Review status: criteria provided, single submitter. Criteria: Invitae Variant Classification Sherloc (09022015). Collection method: clinical testing. Allele origin: germline.
Comment: This sequence change replaces aspartic acid, which is acidic and polar, with tyrosine, which is neutral and polar, at codon 370 of the GABRG2 protein (p.Asp370Tyr). This variant is present in population databases (no rsID available, gnomAD 0.004%). This variant has not been reported in the literature in individuals affected with GABRG2-related conditions. ClinVar contains an entry for this variant (Variation ID: 1021840). Advanced modeling of protein sequence and biophysical properties (such as structural, functional, and spatial information, amino acid conservation, physicochemical variation, residue mobility, and thermodynamic stability) has been performed at Invitae for this missense variant, however the output from this modeling did not meet the statistical confidence thresholds required to predict the impact of this variant on GABRG2 protein function. In summary, the available evidence is currently insufficient to determine the role of this variant in disease. Therefore, it has been classified as a Variant of Uncertain Significance.

Ambry Genetics
Classification: Uncertain significance for Inborn genetic diseases. Last evaluated: 2023-04-28. Review status: criteria provided, single submitter. Criteria: Ambry Variant Classification Scheme 2023. Collection method: clinical testing. Allele origin: germline.

Centre of Medical Genetics, University Hospital Muenster
Classification: Uncertain significance for Febrile seizures, familial, 8. Last evaluated: 2022-04-28. Review status: criteria provided, single submitter. Criteria: ACMG Guidelines, 2015. Collection method: clinical testing. Allele origin: unknown. Affected: yes. Observed: 1 variant allele, 1 heterozygote.
Comment: ACMG categories: PM1,PM2

Institute of Human Genetics, University of Leipzig Medical Center
Classification: Uncertain significance for Febrile seizures, familial, 8. Last evaluated: 2021-09-14. Review status: criteria provided, single submitter. Criteria: ACMG Guidelines, 2015. Collection method: clinical testing. Allele origin: maternal. Affected: yes.

Blueprint Genetics
Classification: Uncertain significance. Last evaluated: 2019-10-24. Review status: criteria provided, single submitter. Criteria: ACMG Guidelines, 2015. Collection method: clinical testing. Allele origin: germline.